The following is an entry in ClinVar:

ClinVar aggregate classification (germline): Likely benign (1 of 4 stars; one submission).

Submission:

CeGaT Center for Human Genetics Tuebingen
Classification: Likely benign. Last evaluated: 2025-09-01. Review status: criteria provided, single submitter. Criteria: CeGaT Center For Human Genetics Tuebingen Variant Classification Criteria Version 2. Collection method: clinical testing. Allele origin: germline. Affected: yes. Observed: 4 variant alleles.
Comment: PLIN4: BP4, BP7

NM_001367868.2(PLIN4):c.966C>T (p.Gly322=)

Gene: PLIN4 (perilipin 4; minus strand). Cytogenetic location: 19p13.3.
Variant type: single nucleotide variant.
Coding change: c.966C>T on transcript NM_001367868.2 (MANE Select); coding-DNA position 966, C replaced by T.
Protein change: p.Gly322=; no amino-acid change (glycine 322 retained).
Molecular consequence: synonymous variant.
Genome position (GRCh38, 1-based): chr19:4,512,994, G>A on the plus strand (C>T on the coding strand, the complement: PLIN4 is on the minus strand). VCF-style: chr19-4512994-G-A. GRCh37 (hg19) VCF-style: chr19-4513006-G-A.
Other names: c.969C>T, p.Gly323= (NM_001393888.1, NM_001393889.1); c.966C>T, p.Gly322= (NM_001393890.1, NM_001393891.1).
Identifiers: ClinVar variation 4083746 (VCV004083746.8).
Genomic context (GRCh38, chr19:4,512,994, plus strand): 5'-AGTCACCCCACTACAGACGGTGTCCTTGGTACCTGTTAGGACAGTCTTACTGGTGTCCAC[G>A]CCGGTCTGGATGGTTCCTTTGGCCACATTCATGGCACCAGTCACCCCACTACAGACGGTG-3'
Protein context (NP_001354797.1, residues 312-332): MNVAKGTIQT[Gly322=]VDTSKTVLTG